The following is an entry in ClinVar:

ClinVar aggregate classification (germline): Uncertain significance. Review status: criteria provided, multiple submitters, no conflicts (2 of 4 stars). 2 submissions from 2 submitters: Uncertain significance (2). Last evaluated 2025-09-22.

Conditions:
Inborn genetic diseases. Identifiers: MedGen C0950123, MeSH D030342.

Allele frequency attached by ClinVar (database versions not stated): gnomAD 0.00001 and 0.00002; gnomAD exomes 0.00001 and 0.00003; TOPMed 0.00001; ExAC 0.00002.

Submissions (2):

Labcorp Genetics (formerly Invitae), Labcorp
Classification: Uncertain significance. Last evaluated: 2025-09-22. Review status: criteria provided, single submitter. Criteria: Invitae Variant Classification Sherloc (09022015). Collection method: clinical testing. Allele origin: germline.
Comment: This sequence change replaces serine, which is neutral and polar, with leucine, which is neutral and non-polar, at codon 91 of the C6 protein (p.Ser91Leu). This variant is present in population databases (rs769899867, gnomAD 0.02%). This variant has not been reported in the literature in individuals affected with C6-related conditions. ClinVar contains an entry for this variant (Variation ID: 1419070). An algorithm developed to predict the effect of missense changes on protein structure and function (PolyPhen-2) suggests that this variant is likely to be disruptive. Algorithms developed to predict the effect of sequence changes on RNA splicing suggest that this variant may disrupt the consensus splice site. In summary, the available evidence is currently insufficient to determine the role of this variant in disease. Therefore, it has been classified as a Variant of Uncertain Significance.

Ambry Genetics
Classification: Uncertain significance for Inborn genetic diseases. Last evaluated: 2023-10-30. Review status: criteria provided, single submitter. Criteria: Ambry Variant Classification Scheme 2023. Collection method: clinical testing. Allele origin: germline.

NM_000065.5(C6):c.272C>T (p.Ser91Leu)

Gene: C6 (complement C6; minus strand). Cytogenetic location: 5p13.1.
Variant type: single nucleotide variant.
Coding change: c.272C>T on transcript NM_000065.5 (MANE Select); coding-DNA position 272, C replaced by T.
Protein change: p.Ser91Leu; replaces serine 91 with leucine.
Molecular consequence: missense variant.
Genome position (GRCh38, 1-based): chr5:41,201,586, G>A on the plus strand (C>T on the coding strand, the complement: C6 is on the minus strand). VCF-style: chr5-41201586-G-A. GRCh37 (hg19) VCF-style: chr5-41201688-G-A.
Other names: c.272C>T, p.Ser91Leu (NM_001115131.4); c.272C>T (NM_000065.2); short protein forms S91L.
Identifiers: ClinVar variation 1419070 (VCV001419070.8), dbSNP rs769899867, ClinGen allele CA3252854.